The following is an entry in ClinVar:

NM_002666.5(PLIN1):c.1395C>T (p.Pro465=)

Genes: PLIN1 (perilipin 1; minus strand), LOC130057886 (ATAC-STARR-seq lymphoblastoid silent region 6802; plus strand). Cytogenetic location: 15q26.1.
Variant type: single nucleotide variant.
Coding change: c.1395C>T on transcript NM_002666.5 (MANE Select); coding-DNA position 1395, C replaced by T.
Protein change: p.Pro465=; no amino-acid change (proline 465 retained).
Molecular consequence: synonymous variant.
Genome position (GRCh38, 1-based): chr15:89,665,757, G>A on the plus strand (C>T on the coding strand, the complement: PLIN1 is on the minus strand). VCF-style: chr15-89665757-G-A. GRCh37 (hg19) VCF-style: chr15-90208988-G-A.
Other names: c.1395C>T, p.Pro465= (NM_001145311.2).
Identifiers: ClinVar variation 3355772 (VCV003355772.1).

ClinVar aggregate classification (germline): Likely benign (0 of 4 stars; one submission).

Conditions:
PLIN1-related disorder. Also called: PLIN1-related condition.

gnomAD v4.1: 2 of 1,273,982 alleles (0.00016%); highest among the groups gnomAD compares: Non-Finnish European, 0.000098%; no homozygotes.

Submission:

PreventionGenetics, part of Exact Sciences
Classification: Likely benign for PLIN1-related condition. Last evaluated: 2024-07-03. Review status: no assertion criteria provided. Collection method: clinical testing. Allele origin: germline.
Comment: This variant is classified as likely benign based on ACMG/AMP sequence variant interpretation guidelines (Richards et al. 2015 PMID: 25741868, with internal and published modifications).